The following is an entry in ClinVar:

ClinVar aggregate classification (germline): Conflicting classifications of pathogenicity. Review status: criteria provided, conflicting classifications (1 of 4 stars). 5 submissions from 5 submitters: Likely pathogenic (4); Uncertain significance (1). Last evaluated 2025-06-09.

Conditions:
Glutaric acidemia type 2C.
Multiple acyl-CoA dehydrogenase deficiency (MADD). Also called: Glutaric aciduria, type 2; Glutaric Acidemia type 2; Glutaric acidemia type II; GA 2; ETHYLMALONIC-ADIPICACIDURIA; GA II. Identifiers: Orphanet 26791, MedGen C0268596, MONDO:0009282, OMIM 231680.

Allele frequency attached by ClinVar (database versions not stated): gnomAD exomes below 0.00001; TOPMed 0.00001; ExAC 0.00002; ESP Exome Variant Server 0.00008.
gnomAD v4.1: 3 of 1,612,362 alleles (0.00019%); highest among the groups gnomAD compares: Non-Finnish European, 0.00025%; no homozygotes.

Submissions (5):

Labcorp Genetics (formerly Invitae), Labcorp
Classification: Likely pathogenic for Multiple acyl-CoA dehydrogenase deficiency. Last evaluated: 2025-06-09. Review status: criteria provided, single submitter. Criteria: Invitae Variant Classification Sherloc (09022015). Collection method: clinical testing. Allele origin: germline.
Comment: This sequence change replaces alanine, which is neutral and non-polar, with valine, which is neutral and non-polar, at codon 187 of the ETFDH protein (p.Ala187Val). This variant is present in population databases (rs369912835, gnomAD 0.002%). This missense change has been observed in individuals with clinical features of multiple Acyl-CoA dehydrogenase deficiency (PMID: 30424791, 32499892; internal data). ClinVar contains an entry for this variant (Variation ID: 418183). Invitae Evidence Modeling of protein sequence and biophysical properties (such as structural, functional, and spatial information, amino acid conservation, physicochemical variation, residue mobility, and thermodynamic stability) indicates that this missense variant is not expected to disrupt ETFDH protein function with a negative predictive value of 80%. Studies have shown that this missense change alters ETFDH gene expression (PMID: 35309592). In summary, the currently available evidence indicates that the variant is pathogenic, but additional data are needed to prove that conclusively. Therefore, this variant has been classified as Likely Pathogenic.

Variantyx, Inc.
Classification: Likely pathogenic for Multiple acyl-CoA dehydrogenase deficiency. Last evaluated: 2025-05-28. Review status: criteria provided, single submitter. Criteria: Variantyx Assertion Criteria 2022. Collection method: clinical testing. Allele origin: germline. Inheritance: Autosomal recessive inheritance. Affected: no.
Comment: This is a nonsynonymous variant in the ETFDH gene (OMIM: 231675). Pathogenic variants in this gene have been associated with autosomal recessive glutaric acidemia IIC. This variant has been identified in the homozygous or compound heterozygous state in at least 4 individuals reported in the published literature (PMID: 30424791, 31997039, 32499892) (PM3_Strong). Multiple computational algorithms predict a deleterious effect for this variant (REVEL score: 0.939) (PP3). This variant has a 0.0003% maximum allele frequency in non-founder control populations (PM2). Based on the current evidence, this variant is classified as likely pathogenic for autosomal recessive glutaric acidemia IIC.

Natera, Inc.
Classification: Likely pathogenic for Glutaric acidemia type 2C. Last evaluated: 2025-03-13. Review status: criteria provided, single submitter. Criteria: Natera Variant Classification Schema (03/2026). Collection method: clinical testing. Allele origin: germline.
Comment: The c.560C>T variant in ETFDH is a missense variant predicted to cause substitution of alanine to valine at amino acid 187. This variant is rare in the general population with a frequency below the threshold expected for the associated phenotype(s). This variant has been observed in one or more individuals affected with the associated recessive disease, as either homozygous or compound heterozygous with a second variant (PMID: 32499892, 37688338). This variant has been identified in one or more affected individuals with a phenotype highly consistent with the associated gene (PMID: 37688338). Computational prediction algorithms indicate this variant is likely to affect gene or protein function. Given the available evidence, this variant is classified as Likely Pathogenic.

GeneDx
Classification: Uncertain significance. Last evaluated: 2024-09-27. Review status: criteria provided, single submitter. Criteria: GeneDx Variant Classification Process June 2021. Collection method: clinical testing. Allele origin: germline. Affected: yes.
Comment: In silico analysis supports that this missense variant has a deleterious effect on protein structure/function; Not observed at significant frequency in large population cohorts (gnomAD); This variant is associated with the following publications: (PMID: 32499892, 30424791, 28456887, 33589341, 37845732, 32793418, 35309592, 34827632, 37168503, 31997039, 38967380)

Baylor Genetics
Classification: Likely pathogenic for Multiple acyl-CoA dehydrogenase deficiency. Last evaluated: 2024-02-26. Review status: criteria provided, single submitter. Criteria: ACMG Guidelines, 2015. Collection method: clinical testing. Allele origin: unknown.

Literature cited by the submitters: PubMed 30424791 (cited by Labcorp Genetics (formerly Invitae), Labcorp and Variantyx, Inc.); PubMed 32499892 (cited by 3 submitters); PubMed 35309592 (cited by Labcorp Genetics (formerly Invitae), Labcorp); PubMed 31997039 (cited by Variantyx, Inc.); PubMed 37688338 (cited by Natera, Inc.).

NM_004453.4(ETFDH):c.560C>T (p.Ala187Val)

Gene: ETFDH (electron transfer flavoprotein dehydrogenase; plus strand). Cytogenetic location: 4q32.1.
Variant type: single nucleotide variant.
Coding change: c.560C>T on transcript NM_004453.4 (MANE Select); coding-DNA position 560, C replaced by T.
Protein change: p.Ala187Val; replaces alanine 187 with valine.
Molecular consequence: missense variant.
Genome position (GRCh38, 1-based): chr4:158,685,173, C>T. VCF-style: chr4-158685173-C-T. GRCh37 (hg19) VCF-style: chr4-159606325-C-T.
Other names: c.419C>T, p.Ala140Val (NM_001281737.2); c.377C>T, p.Ala126Val (NM_001281738.1); c.560C>T (NM_004453.3); short protein forms A187V, A126V, A140V.
Identifiers: ClinVar variation 418183 (VCV000418183.12), dbSNP rs369912835, ClinGen allele CA3122394.